The following is an entry in ClinVar:

NM_002340.6(LSS):c.893C>T (p.Ala298Val)

Gene: LSS (lanosterol synthase; minus strand). Cytogenetic location: 21q22.3.
Variant type: single nucleotide variant.
Coding change: c.893C>T on transcript NM_002340.6 (MANE Select); coding-DNA position 893, C replaced by T.
Protein change: p.Ala298Val; replaces alanine 298 with valine.
Molecular consequence: missense variant.
Genome position (GRCh38, 1-based): chr21:46,215,298, G>A on the plus strand (C>T on the coding strand, the complement: LSS is on the minus strand). VCF-style: chr21-46215298-G-A. GRCh37 (hg19) VCF-style: chr21-47635212-G-A.
Other names: c.893C>T, p.Ala298Val (NM_001001438.3); c.860C>T, p.Ala287Val (NM_001145436.2); c.653C>T, p.Ala218Val (NM_001145437.2); c.893C>T (NM_001001438.2); short protein forms A218V, A287V, A298V.
Identifiers: ClinVar variation 1536738 (VCV001536738.33), dbSNP rs201713860, ClinGen allele CA10075267.

ClinVar aggregate classification (germline): Benign. Review status: criteria provided, multiple submitters, no conflicts (2 of 4 stars). 4 submissions from 4 submitters: Benign (3). 1 of the submissions does not count toward it. Last evaluated 2026-02-01.

Conditions:
LSS-related disorder. Also called: LSS-related condition.

Allele frequency attached by ClinVar (database versions not stated): ESP Exome Variant Server 0.00038; gnomAD 0.00058 and 0.00118; TOPMed 0.00099; gnomAD exomes 0.00152 and 0.00296; ExAC 0.00401; 1000 Genomes Project 30x 0.00468; 1000 Genomes Project 0.00519.
gnomAD v4.1: 2,349 of 1,598,038 alleles (0.15%); highest among the groups gnomAD compares: East Asian, 1.3%; 13 homozygotes.

Submissions (4):

CeGaT Center for Human Genetics Tuebingen
Classification: Benign. Last evaluated: 2026-02-01. Review status: criteria provided, single submitter. Criteria: CeGaT Center For Human Genetics Tuebingen Variant Classification Criteria Version 2. Collection method: clinical testing. Allele origin: germline. Affected: yes. Observed: 5 variant alleles.
Comment: LSS: BP4, BS1, BS2

Labcorp Genetics (formerly Invitae), Labcorp
Classification: Benign. Last evaluated: 2025-11-06. Review status: criteria provided, single submitter. Criteria: Invitae Variant Classification Sherloc (09022015). Collection method: clinical testing. Allele origin: germline.

Breakthrough Genomics
Classification: Benign. Review status: criteria provided, single submitter. Criteria: ACMG Guidelines, 2015. Collection method: not provided. Allele origin: germline. Inheritance: Autosomal recessive inheritance. Affected: yes.

PreventionGenetics, part of Exact Sciences
Classification: Benign for LSS-related condition. Last evaluated: 2019-07-01. Review status: no assertion criteria provided. Collection method: clinical testing. Allele origin: germline. Not counted in ClinVar's aggregate classification.
Comment: This variant is classified as benign based on ACMG/AMP sequence variant interpretation guidelines (Richards et al. 2015 PMID: 25741868, with internal and published modifications).